The following is an entry in ClinVar:

ClinVar aggregate classification (germline): Uncertain significance (1 of 4 stars; one submission).

Conditions:
ATP2B1-related disorder. Also called: ATP2B1-related condition.

gnomAD v4.1: 9 of 1,613,796 alleles (0.00056%); highest among the groups gnomAD compares: Non-Finnish European, 0.00076%; no homozygotes.

Submission:

PreventionGenetics, part of Exact Sciences
Classification: Uncertain significance for ATP2B1-related condition. Last evaluated: 2025-06-26. Review status: criteria provided, single submitter. Criteria: ACMG Guidelines, 2015. Collection method: clinical testing. Allele origin: germline.
Comment: The ATP2B1 c.1877C>G variant is predicted to result in the amino acid substitution p.Pro626Arg. To our knowledge, this variant has not been reported in the literature. This variant is reported in 0.00088% of alleles in individuals of European (Non-Finnish) descent in gnomAD. At this time, the clinical significance of this variant is uncertain due to the absence of conclusive functional and genetic evidence.

NM_001366521.1(ATP2B1):c.1877C>G (p.Pro626Arg)

Gene: ATP2B1 (ATPase plasma membrane Ca2+ transporting 1; minus strand). Cytogenetic location: 12q21.33.
Variant type: single nucleotide variant.
Coding change: c.1877C>G on transcript NM_001366521.1 (MANE Select); coding-DNA position 1877, C replaced by G.
Protein change: p.Pro626Arg; replaces proline 626 with arginine.
Molecular consequence: missense variant. On other transcripts: non-coding transcript variant (3).
Genome position (GRCh38, 1-based): chr12:89,616,992, G>C on the plus strand (C>G on the coding strand, the complement: ATP2B1 is on the minus strand). VCF-style: chr12-89616992-G-C. GRCh37 (hg19) VCF-style: chr12-90010769-G-C.
Other names: c.1877C>G, p.Pro626Arg (NM_001001323.2, NM_001366520.1, NM_001366522.1 and 12 more transcripts); c.1679C>G, p.Pro560Arg (NM_001366530.1, NM_001413053.1); c.1316C>G, p.Pro439Arg (NM_001366531.1, NM_001366532.1, NM_001413058.1 and 2 more transcripts); c.1838C>G, p.Pro613Arg (NM_001413048.1); c.1736C>G, p.Pro579Arg (NM_001413051.1, NM_001413052.1, NM_001413055.1); c.1634C>G, p.Pro545Arg (NM_001413054.1); c.1622C>G, p.Pro541Arg (NM_001413056.1); c.1424C>G, p.Pro475Arg (NM_001413057.1); short protein forms P439R, P560R, P613R, P626R, P475R, P541R, P545R, P579R.
Identifiers: ClinVar variation 4986483 (VCV004986483.1).